The following is an entry in ClinVar:

NM_001458.5(FLNC):c.1957C>T (p.Pro653Ser)

Gene: FLNC (filamin C; plus strand). Cytogenetic location: 7q32.1.
Variant type: single nucleotide variant.
Coding change: c.1957C>T on transcript NM_001458.5 (MANE Select); coding-DNA position 1957, C replaced by T.
Protein change: p.Pro653Ser; replaces proline 653 with serine.
Molecular consequence: missense variant.
Genome position (GRCh38, 1-based): chr7:128,841,313, C>T. VCF-style: chr7-128841313-C-T. GRCh37 (hg19) VCF-style: chr7-128481367-C-T.
Other names: c.1957C>T, p.Pro653Ser (NM_001127487.2); short protein forms P653S.
Identifiers: ClinVar variation 4025622 (VCV004025622.1).

ClinVar aggregate classification (germline): Uncertain significance (1 of 4 stars; one submission).

Conditions:
Cardiovascular phenotype. Identifiers: MedGen CN230736.

Submission:

Ambry Genetics
Classification: Uncertain significance for Cardiovascular phenotype. Last evaluated: 2025-05-06. Review status: criteria provided, single submitter. Criteria: Ambry Variant Classification Scheme 2023. Collection method: clinical testing. Allele origin: germline.
Comment: The p.P653S variant (also known as c.1957C>T), located in coding exon 12 of the FLNC gene, results from a C to T substitution at nucleotide position 1957. The proline at codon 653 is replaced by serine, an amino acid with similar properties. This amino acid position is conserved. In addition, this alteration is predicted to be deleterious by in silico analysis. Based on the available evidence, the clinical significance of this variant remains unclear.